The following is an entry in ClinVar:

ClinVar aggregate classification (germline): Uncertain significance (1 of 4 stars; one submission).

Conditions:
Nephronophthisis. Also called: Juvenile Nephronophthisis. Identifiers: Orphanet 655, MedGen C0687120, MONDO:0019005, HP:0000090.

gnomAD v4.1: 4 of 1,613,236 alleles (0.00025%); highest among the groups gnomAD compares: African/African-American, 0.0013%; no homozygotes.

Submission:

Labcorp Genetics (formerly Invitae), Labcorp
Classification: Uncertain significance for Nephronophthisis. Last evaluated: 2022-06-08. Review status: criteria provided, single submitter. Criteria: Invitae Variant Classification Sherloc (09022015). Collection method: clinical testing. Allele origin: germline.
Comment: In summary, the available evidence is currently insufficient to determine the role of this variant in disease. Therefore, it has been classified as a Variant of Uncertain Significance. Algorithms developed to predict the effect of missense changes on protein structure and function (SIFT, PolyPhen-2, Align-GVGD) all suggest that this variant is likely to be tolerated. This variant has not been reported in the literature in individuals affected with NPHP3-related conditions. This variant is not present in population databases (gnomAD no frequency). This sequence change replaces leucine, which is neutral and non-polar, with valine, which is neutral and non-polar, at codon 110 of the NPHP3 protein (p.Leu110Val).

NM_153240.5(NPHP3):c.328T>G (p.Leu110Val)

Genes: NPHP3 (nephrocystin 3; minus strand), NPHP3-ACAD11 (NPHP3-ACAD11 readthrough (NMD candidate); minus strand), NPHP3-AS1 (NPHP3 antisense RNA 1; plus strand). Cytogenetic location: 3q22.1.
Variant type: single nucleotide variant.
Coding change: c.328T>G on transcript NM_153240.5 (MANE Select); coding-DNA position 328, T replaced by G.
Protein change: p.Leu110Val; replaces leucine 110 with valine.
Molecular consequence: missense variant. On other transcripts: non-coding transcript variant (3).
Genome position (GRCh38, 1-based): chr3:132,722,028, A>C on the plus strand (T>G on the coding strand, the complement: NPHP3 is on the minus strand). VCF-style: chr3-132722028-A-C. GRCh37 (hg19) VCF-style: chr3-132440872-A-C.
Other names: short protein forms L110V.
Identifiers: ClinVar variation 1415890 (VCV001415890.6), dbSNP rs369995775, ClinGen allele CA83610742.